The following is an entry in ClinVar:

NC_000022.11:g.(?_17877577)_(18088075_?)dup

Genes: MICAL3 (microtubule associated monooxygenase, calponin and LIM domain containing 3; minus strand), PEX26 (peroxisomal biogenesis factor 26; plus strand). Cytogenetic location: 22q11.21.
Variant type: Duplication.
Identifiers: ClinVar variation 831643 (VCV000831643.1).

ClinVar aggregate classification (germline): Uncertain significance (1 of 4 stars; one submission).

Conditions:
Peroxisome biogenesis disorder 7A (Zellweger). Also called: Peroxisome biogenesis disorder 7A. Identifiers: Orphanet 912, MedGen C3888385, MONDO:0013938, OMIM 614872.
Peroxisome biogenesis disorder 7B (PBD7B). Identifiers: Orphanet 44, MedGen C3553951, MONDO:0013939, OMIM 614873.

Submission:

Labcorp Genetics (formerly Invitae), Labcorp
Classification: Uncertain significance for CGA; Peroxisome biogenesis disorder 7B. Last evaluated: 2019-09-11. Review status: criteria provided, single submitter. Criteria: Invitae Variant Classification Sherloc (09022015). Collection method: clinical testing. Allele origin: germline.
Comment: This variant results in a copy number gain of the genomic region encompassing the full coding sequence of the PEX26 gene. The boundaries of this event are unknown as they extend beyond the assayed region for this gene and therefore may encompass additional genes. As the precise location of this event is unknown, it may be in tandem or it may be located elsewhere in the genome. This variant has not been reported in the literature in individuals with PEX26-related conditions. In summary, the available evidence is currently insufficient to determine the role of this variant in disease. Therefore, it has been classified as a Variant of Uncertain Significance.